The following is an entry in ClinVar:

NM_001371596.2(MFSD8):c.1102G>C (p.Asp368His)

Gene: MFSD8 (major facilitator superfamily domain containing 8; minus strand). Cytogenetic location: 4q28.2.
Variant type: single nucleotide variant.
Coding change: c.1102G>C on transcript NM_001371596.2 (MANE Select); coding-DNA position 1102, G replaced by C.
Protein change: p.Asp368His; replaces aspartic acid 368 with histidine.
Molecular consequence: missense variant.
Genome position (GRCh38, 1-based): chr4:127,921,860, C>G on the plus strand (G>C on the coding strand, the complement: MFSD8 is on the minus strand). VCF-style: chr4-127921860-C-G. GRCh37 (hg19) VCF-style: chr4-128843015-C-G.
Other names: 1102G-C; c.1108G>C, p.Asp370His (NM_001371592.2); c.988G>C, p.Asp330His (NM_001371593.2); c.955G>C, p.Asp319His (NM_001371594.2); c.820G>C, p.Asp274His (NM_001371595.1); c.652G>C, p.Asp218His (NM_001410765.1); c.1102G>C, p.Asp368His (NM_152778.4, NM_001371591.2); c.901G>C, p.Asp301His (NM_001363520.3); and 2 more; short protein forms D368H, D263H, D301H, D274H, D319H, D323H, D330H, D370H.
Identifiers: ClinVar variation 162380 (VCV000162380.15), dbSNP rs727502800, ClinGen allele CA175008.
Genomic context (GRCh38, chr4:127,921,860, plus strand): 5'-TACTTGTTGATTTTAGATAAATAACAGAGGTTAACATTATAGAATTATGTATGGCTATAC[C>G]TTCCCACTGTATTTTGGGAAATTGATTTCCCCAAGGTAACAAGATAAAGAAGCCAACCCA-3'
Protein context (NP_001358525.1, residues 358-378): GNQFPKIQWE[Asp368His]LHNNSIPNTT

ClinVar aggregate classification (germline): Pathogenic. Review status: criteria provided, multiple submitters, no conflicts (2 of 4 stars). 5 submissions from 4 submitters: Pathogenic (3). 2 of the submissions do not count toward it. Last evaluated 2022-08-09.

Conditions:
MFSD8-related disorders.
Macular dystrophy with central cone involvement (CCMD). Identifiers: MedGen C4015371, MONDO:0014515, OMIM 616170.
Neuronal ceroid lipofuscinosis 7 (CLN7). Also called: MFSD8-Related Neuronal Ceroid-Lipofuscinosis. Identifiers: Orphanet 168491, Orphanet 228366, MedGen C1838571, MONDO:0012588, OMIM 610951.

Allele frequency attached by ClinVar (database versions not stated): TOPMed below 0.00001.

Submissions (5):

Labcorp Genetics (formerly Invitae), Labcorp
Classification: Pathogenic for Neuronal ceroid lipofuscinosis 7. Last evaluated: 2022-08-09. Review status: criteria provided, single submitter. Criteria: Invitae Variant Classification Sherloc (09022015). Collection method: clinical testing. Allele origin: germline.
Comment: This sequence change replaces aspartic acid, which is acidic and polar, with histidine, which is basic and polar, at codon 368 of the MFSD8 protein (p.Asp368His). RNA analysis indicates that this missense change induces altered splicing and may result in an absent or disrupted protein product. This variant is not present in population databases (gnomAD no frequency). This missense change has been observed in individual(s) with neuronal ceroid lipofuscinosis (PMID: 17564970, 31597037). In at least one individual the data is consistent with being in trans (on the opposite chromosome) from a pathogenic variant. ClinVar contains an entry for this variant (Variation ID: 162380). For these reasons, this variant has been classified as Pathogenic. Variants that disrupt the consensus splice site are a relatively common cause of aberrant splicing (PMID: 17576681, 9536098). Studies have shown that this missense change results in skipping of exon 11 and introduces a premature termination codon (PMID: 25227500). The resulting mRNA is expected to undergo nonsense-mediated decay. Algorithms developed to predict the effect of missense changes on protein structure and function are either unavailable or do not agree on the potential impact of this missense change (SIFT: "Tolerated"; PolyPhen-2: "Possibly Damaging"; Align-GVGD: "Class C0").

Tim Yu lab, Boston Children's Hospital
Classification: Pathogenic for Neuronal ceroid lipofuscinosis 7. Last evaluated: 2019-07-19. Review status: criteria provided, single submitter. Criteria: ACMG Guidelines, 2015. Collection method: clinical testing. Allele origin: paternal. Inheritance: Autosomal recessive inheritance. Affected: yes. Observed: 1 compound heterozygote.
Comment: This variant has been previously reported in patients with Batten disease. It results in a missense change (p.D368H) and has also been reported to cause skipping of exon 11 (Sintola et al, 2007; Roosing et al, 2015). It is absent from gnomAD.

Blueprint Genetics
Classification: Pathogenic for MFSD8-related disorders. Last evaluated: 2019-05-04. Review status: criteria provided, single submitter. Criteria: ACMG Guidelines, 2015. Collection method: clinical testing. Allele origin: germline. Affected: yes. Observed: 1 variant allele.

OMIM
Classification: Pathogenic for CEROID LIPOFUSCINOSIS, NEURONAL, 7. Last evaluated: 2015-01-01. Review status: no assertion criteria provided. Collection method: literature only. Allele origin: germline. Not counted in ClinVar's aggregate classification.

OMIM
Classification: Pathogenic for MACULAR DYSTROPHY WITH CENTRAL CONE INVOLVEMENT. Last evaluated: 2015-01-01. Review status: no assertion criteria provided. Collection method: literature only. Allele origin: germline. Not counted in ClinVar's aggregate classification.

Literature cited by the submitters: PubMed 17564970 (cited by Labcorp Genetics (formerly Invitae), Labcorp and OMIM); PubMed 31597037 (cited by Labcorp Genetics (formerly Invitae), Labcorp and OMIM); PubMed 17576681 (cited by Labcorp Genetics (formerly Invitae), Labcorp); PubMed 9536098 (cited by Labcorp Genetics (formerly Invitae), Labcorp); PubMed 25227500 (cited by Labcorp Genetics (formerly Invitae), Labcorp and OMIM).